The following is an entry in ClinVar:

ClinVar aggregate classification (germline): Uncertain significance (1 of 4 stars; one submission).

Conditions:
Paget disease of bone 2, early-onset (PDB2). Also called: Paget disease of bone 2. Identifiers: MedGen C4085251, MONDO:0011183, OMIM 602080.
Frontotemporal dementia and/or amyotrophic lateral sclerosis 1 (FTDALS1). Also called: Frontotemporal dementia with motor neuron disease 1; C9orf72 Frontotemporal Dementia and/or Amyotrophic Lateral Sclerosis. Identifiers: Orphanet 275872, MedGen C5779877, MONDO:0007105, OMIM 105550.

Allele frequency attached by ClinVar (database versions not stated): gnomAD exomes below 0.00001; TOPMed below 0.00001; ExAC 0.00001.
gnomAD v4.1: 10 of 1,614,028 alleles (0.00062%); highest among the groups gnomAD compares: East Asian, 0.0022%; no homozygotes.

Submission:

Labcorp Genetics (formerly Invitae), Labcorp
Classification: Uncertain significance for Paget disease of bone 2, early-onset; Frontotemporal dementia and/or amyotrophic lateral sclerosis 1. Last evaluated: 2025-11-21. Review status: criteria provided, single submitter. Criteria: Invitae Variant Classification Sherloc (09022015). Collection method: clinical testing. Allele origin: germline.
Comment: This sequence change replaces isoleucine, which is neutral and non-polar, with threonine, which is neutral and polar, at codon 253 of the SQSTM1 protein (p.Ile253Thr). This variant is present in population databases (rs753016349, gnomAD 0.006%). This variant has not been reported in the literature in individuals affected with SQSTM1-related conditions. ClinVar contains an entry for this variant (Variation ID: 1461674). Invitae Evidence Modeling of protein sequence and biophysical properties (such as structural, functional, and spatial information, amino acid conservation, physicochemical variation, residue mobility, and thermodynamic stability) has been performed for this missense variant. However, the output from this modeling did not meet the statistical confidence thresholds required to predict the impact of this variant on SQSTM1 protein function. In summary, the available evidence is currently insufficient to determine the role of this variant in disease. Therefore, it has been classified as a Variant of Uncertain Significance.

NM_003900.5(SQSTM1):c.758T>C (p.Ile253Thr)

Gene: SQSTM1 (sequestosome 1; plus strand). Cytogenetic location: 5q35.3.
Variant type: single nucleotide variant.
Coding change: c.758T>C on transcript NM_003900.5 (MANE Select); coding-DNA position 758, T replaced by C.
Protein change: p.Ile253Thr; replaces isoleucine 253 with threonine.
Molecular consequence: missense variant.
Genome position (GRCh38, 1-based): chr5:179,833,035, T>C. VCF-style: chr5-179833035-T-C. GRCh37 (hg19) VCF-style: chr5-179260035-T-C.
Other names: c.506T>C, p.Ile169Thr (NM_001142298.2, NM_001142299.2); short protein forms I169T, I253T.
Identifiers: ClinVar variation 1461674 (VCV001461674.6), dbSNP rs753016349, ClinGen allele CA3600667.